The following is an entry in ClinVar:

NM_015046.7(SETX):c.7287+136C>T

Genes: SETX (senataxin; minus strand), LOC126860782 (P300/CBP strongly-dependent group 1 enhancer GRCh37_chr9:135144739-135145938; plus strand). Cytogenetic location: 9q34.13.
Variant type: single nucleotide variant.
Coding change: c.7287+136C>T on transcript NM_015046.7 (MANE Select); 136 bases into the intron after coding-DNA position 7287, C replaced by T.
Molecular consequence: intron variant. On other transcripts: missense variant (1).
Genome position (GRCh38, 1-based): chr9:132,269,479, G>A on the plus strand (C>T on the coding strand, the complement: SETX is on the minus strand). VCF-style: chr9-132269479-G-A. GRCh37 (hg19) VCF-style: chr9-135144866-G-A.
Other names: c.7298C>T, p.Pro2433Leu (NM_001351528.2); c.7287+136C>T (NM_001351527.2); short protein forms P2433L.
Identifiers: ClinVar variation 4986917 (VCV004986917.1).
Genomic context (GRCh38, chr9:132,269,479, plus strand): 5'-AGATACTTGGGTTCTGGGCTGAAAAAAGGCGAATGGTTCACGTGTACACAAAAGCTCCTA[G>A]GAAGAAGTTGCTGGAAAACATAACAACCATTATTTTGTAATCCAGAAATCATTTACACTT-3'

ClinVar aggregate classification (germline): Uncertain significance (1 of 4 stars; one submission).

Conditions:
SETX-related disorder. Also called: SETX-related condition; SETX-related disorders. Identifiers: MedGen CN239403.

gnomAD v4.1: 32 of 1,595,616 alleles (0.002%); highest among the groups gnomAD compares: Non-Finnish European, 0.0027%; no homozygotes.

Submission:

PreventionGenetics, part of Exact Sciences
Classification: Uncertain significance for SETX-related condition. Last evaluated: 2026-01-27. Review status: criteria provided, single submitter. Criteria: ACMG Guidelines, 2015. Collection method: clinical testing. Allele origin: germline.
Comment: The SETX c.7298C>T variant is predicted to result in the amino acid substitution p.Pro2433Leu. This variant has been reported in an individual with sporadic amyotrophic lateral sclerosis (Gibson et al. 2017. PubMed ID: 28642336). This variant is reported in 0.0027% of alleles in individuals of European (Non-Finnish) descent in gnomAD. The clinical significance of this variant is uncertain due to the absence of conclusive functional and genetic evidence.